The following is an entry in ClinVar:

NM_000303.3(PMM2):c.677C>G (p.Thr226Ser)

Gene: PMM2 (phosphomannomutase 2; plus strand). Cytogenetic location: 16p13.2.
Variant type: single nucleotide variant.
Coding change: c.677C>G on transcript NM_000303.3 (MANE Select); coding-DNA position 677, C replaced by G.
Protein change: p.Thr226Ser; replaces threonine 226 with serine.
Molecular consequence: missense variant.
Genome position (GRCh38, 1-based): chr16:8,847,761, C>G. VCF-style: chr16-8847761-C-G. GRCh37 (hg19) VCF-style: chr16-8941618-C-G.
Other names: short protein forms T226S.
Identifiers: ClinVar variation 7722 (VCV000007722.14), dbSNP rs80338706, ClinGen allele CA340691.

ClinVar aggregate classification (germline): Pathogenic/Likely pathogenic. Review status: criteria provided, multiple submitters, no conflicts (2 of 4 stars). 6 submissions from 6 submitters: Pathogenic (3); Likely pathogenic (1). 2 of the submissions do not count toward it. Last evaluated 2025-06-14.

Conditions:
Inborn genetic diseases. Identifiers: MedGen C0950123, MeSH D030342.
PMM2-congenital disorder of glycosylation. Also called: Congenital disorder of glycosylation, type Ia; PHOSPHOMANNOMUTASE 2 DEFICIENCY; CARBOHYDRATE-DEFICIENT GLYCOPROTEIN SYNDROME, TYPE Ia; CDG Ia; JAEKEN SYNDROME; PMM2-CDG. Identifiers: Orphanet 79318, MedGen C0349653, MONDO:0008907, OMIM 212065.

Allele frequency attached by ClinVar (database versions not stated): ExAC 0.00001; gnomAD exomes below 0.00001.
gnomAD v4.1: 2 of 1,614,026 alleles (0.00012%); highest among the groups gnomAD compares: Non-Finnish European, 0.000085%; no homozygotes.

Submissions (6):

Labcorp Genetics (formerly Invitae), Labcorp
Classification: Pathogenic for PMM2-congenital disorder of glycosylation. Last evaluated: 2025-06-14. Review status: criteria provided, single submitter. Criteria: Invitae Variant Classification Sherloc (09022015). Collection method: clinical testing. Allele origin: germline.
Comment: This sequence change replaces threonine, which is neutral and polar, with serine, which is neutral and polar, at codon 226 of the PMM2 protein (p.Thr226Ser). This variant is present in population databases (rs80338706, gnomAD 0.0009%). This missense change has been observed in individual(s) with PMM2-related conditions (PMID: 10922383, 11156536, 17166182). ClinVar contains an entry for this variant (Variation ID: 7722). Invitae Evidence Modeling of protein sequence and biophysical properties (such as structural, functional, and spatial information, amino acid conservation, physicochemical variation, residue mobility, and thermodynamic stability) indicates that this missense variant is expected to disrupt PMM2 protein function with a positive predictive value of 95%. Experimental studies have shown that this missense change affects PMM2 function (PMID: 10922383). For these reasons, this variant has been classified as Pathogenic.

Dasa
Classification: Pathogenic. Last evaluated: 2025-05-19. Review status: criteria provided, single submitter. Criteria: DASA Assertion Criteria. Collection method: clinical testing. Allele origin: germline.
Comment: NM_000303.3(PMM2):c.677C>G (p.Thr226Ser) is a missense variant that results in the substitution of threonine with serine. The affected residue or protein region has prior evidence supporting clinical relevance. This variant has been observed in affected individuals with related phenotype in a genotype context consistent with recessive disease (PMID: 10922383; PMID: 15844218; PMID: 25497157; PMID: 33340551). Functional evidence supports a deleterious effect on the gene or gene product (PMID: 10922383; PMID: 15844218; PMID: 25497157; PMID: 33340551). This variant has been recurrently observed in individuals with related phenotype (PMID: 10922383; PMID: 15844218; PMID: 25497157; PMID: 33340551). Multiple computational predictions support a deleterious effect on the gene or gene product. The variant is present at low frequency in population datasets. Based on the available data, this variant is classified as pathogenic.

Ambry Genetics
Classification: Pathogenic for Inborn genetic diseases. Last evaluated: 2025-05-01. Review status: criteria provided, single submitter. Criteria: Ambry Variant Classification Scheme 2023. Collection method: clinical testing. Allele origin: germline.
Comment: The c.677C>G (p.T226S) alteration is located in exon 8 (coding exon 8) of the PMM2 gene. This alteration results from a C to G substitution at nucleotide position 677, causing the threonine (T) at amino acid position 226 to be replaced by a serine (S). Based on data from gnomAD, this allele has an overall frequency of <0.001% (1/251300) total alleles studied. The highest observed frequency was 0.001% (1/113674) of European (non-Finnish) alleles. This variant has been identified in conjunction with other PMM2 variants in individuals with features consistent with autosomal recessive PMM2-related congenital disorder of glycosylation (Vuillaumier-Barrot, 2000; Briones. 2001; Quelhas, 2021). This amino acid position is highly conserved in available vertebrate species. This alteration is predicted to be deleterious by in silico analysis. Based on the available evidence, this alteration is classified as pathogenic.

Women's Health and Genetics/Laboratory Corporation of America, LabCorp
Classification: Likely pathogenic for PMM2-congenital disorder of glycosylation. Last evaluated: 2022-04-01. Review status: criteria provided, single submitter. Criteria: LabCorp Variant Classification Summary - May 2015. Collection method: clinical testing. Allele origin: germline.
Comment: Variant summary: PMM2 c.677C>G (p.Thr226Ser) results in a conservative amino acid change in the encoded protein sequence. Four of five in-silico tools predict a damaging effect of the variant on protein function. The variant allele was found at a frequency of 4e-06 in 251300 control chromosomes. c.677C>G has been reported in the literature as compound heterozygous genotypes in individuals affected with Congenital Disorder Of Glycosylation Type 1a (example, Vuillaumier-Barrot_2000, de Lonlay_2001, Briones_2002, Quelhas_2021). These data indicate that the variant is likely to be associated with disease. At least one publication reports experimental evidence evaluating an impact on protein function example, Vuillaumier-Barrot_2000). The most pronounced variant effect results in 10%-<30% of normal Phosphomannomutase enzyme activity in-vitro. No clinical diagnostic laboratories have submitted clinical-significance assessments for this variant to ClinVar after 2014. Based on the evidence outlined above, the variant was classified as likely pathogenic.

OMIM
Classification: Pathogenic for CONGENITAL DISORDER OF GLYCOSYLATION, TYPE Ia. Last evaluated: 2000-08-01. Review status: no assertion criteria provided. Collection method: literature only. Allele origin: germline. Not counted in ClinVar's aggregate classification.

GeneReviews
No classification provided. Condition: PMM2-congenital disorder of glycosylation. Review status: no classification provided. Collection method: literature only. Allele origin: unknown. Not counted in ClinVar's aggregate classification.

Literature cited by the submitters: PubMed 10922383 (cited by 6 submitters); PubMed 11156536 (cited by Labcorp Genetics (formerly Invitae), Labcorp); PubMed 17166182 (cited by Labcorp Genetics (formerly Invitae), Labcorp); PubMed 15844218 (cited by Dasa); PubMed 25497157 (cited by Dasa); PubMed 33340551 (cited by 3 submitters); PubMed 12705494 (cited by Ambry Genetics and Women's Health and Genetics/Laboratory Corporation of America, LabCorp); PubMed 11134235 (cited by Women's Health and Genetics/Laboratory Corporation of America, LabCorp); PubMed 20301289 (cited by GeneReviews); NCBI Bookshelf NBK1110 (cited by GeneReviews).